The following is an entry in ClinVar:

NM_000092.5(COL4A4):c.3246T>A (p.Gly1082=)

Gene: COL4A4 (collagen type IV alpha 4 chain; minus strand). Cytogenetic location: 2q36.3.
Variant type: single nucleotide variant.
Coding change: c.3246T>A on transcript NM_000092.5 (MANE Select); coding-DNA position 3246, T replaced by A.
Protein change: p.Gly1082=; no amino-acid change (glycine 1082 retained).
Molecular consequence: synonymous variant.
Genome position (GRCh38, 1-based): chr2:227,047,518, A>T on the plus strand (T>A on the coding strand, the complement: COL4A4 is on the minus strand). VCF-style: chr2-227047518-A-T. GRCh37 (hg19) VCF-style: chr2-227912234-A-T.
Identifiers: ClinVar variation 3234595 (VCV003234595.20), dbSNP rs2473865539, ClinGen allele CA431498848.
Genomic context (GRCh38, chr2:227,047,518, plus strand): 5'-AAAATATGCAGCTATACCTGGACATCCAGGGCTACCTGGCTCACCCTTTGGACCAGGTGG[A>T]CCAAAGTGACTGGCAGGGTCACCTTTGTTTCCTGAAAGGGATAAAATGCATGTGACATTA-3'
Protein context (NP_000083.3, residues 1072-1092): GNKGDPASHF[Gly1082=]PPGPKGEPGS

ClinVar aggregate classification (germline): Likely benign (1 of 4 stars; one submission).

gnomAD v4.1: 2 of 1,613,804 alleles (0.00012%); highest among the groups gnomAD compares: Non-Finnish European, 0.00017%; no homozygotes.

Submission:

CeGaT Center for Human Genetics Tuebingen
Classification: Likely benign. Last evaluated: 2024-03-01. Review status: criteria provided, single submitter. Criteria: CeGaT Center For Human Genetics Tuebingen Variant Classification Criteria Version 2. Collection method: clinical testing. Allele origin: germline. Affected: yes. Observed: 1 variant allele.
Comment: COL4A4: PM2:Supporting, BP4, BP7